The following is an entry in ClinVar:

ClinVar aggregate classification (germline): Uncertain significance (1 of 4 stars; one submission).

Allele frequency attached by ClinVar (database versions not stated): gnomAD 0.00001.
gnomAD v4.1: 3 of 1,613,804 alleles (0.00019%); highest among the groups gnomAD compares: Non-Finnish European, 0.00025%; no homozygotes.

Submission:

Labcorp Genetics (formerly Invitae), Labcorp
Classification: Uncertain significance. Last evaluated: 2023-02-02. Review status: criteria provided, single submitter. Criteria: Invitae Variant Classification Sherloc (09022015). Collection method: clinical testing. Allele origin: germline.
Comment: This variant is present in population databases (no rsID available, gnomAD 0.005%). This variant has not been reported in the literature in individuals affected with PRPF8-related conditions. Advanced modeling of protein sequence and biophysical properties (such as structural, functional, and spatial information, amino acid conservation, physicochemical variation, residue mobility, and thermodynamic stability) performed at Invitae indicates that this missense variant is not expected to disrupt PRPF8 protein function. In summary, the available evidence is currently insufficient to determine the role of this variant in disease. Therefore, it has been classified as a Variant of Uncertain Significance. This sequence change replaces alanine, which is neutral and non-polar, with threonine, which is neutral and polar, at codon 1680 of the PRPF8 protein (p.Ala1680Thr).

NM_006445.4(PRPF8):c.5038G>A (p.Ala1680Thr)

Gene: PRPF8 (pre-mRNA processing factor 8; minus strand). Cytogenetic location: 17p13.3.
Variant type: single nucleotide variant.
Coding change: c.5038G>A on transcript NM_006445.4 (MANE Select); coding-DNA position 5038, G replaced by A.
Protein change: p.Ala1680Thr; replaces alanine 1680 with threonine.
Molecular consequence: missense variant.
Genome position (GRCh38, 1-based): chr17:1,659,457, C>T on the plus strand (G>A on the coding strand, the complement: PRPF8 is on the minus strand). VCF-style: chr17-1659457-C-T. GRCh37 (hg19) VCF-style: chr17-1562751-C-T.
Other names: short protein forms A1680T.
Identifiers: ClinVar variation 2838590 (VCV002838590.3), dbSNP rs1298791789, ClinGen allele CA397574044.